The following is an entry in ClinVar:

NM_004333.6(BRAF):c.1364G>A (p.Gly455Glu)

Gene: BRAF (B-Raf proto-oncogene, serine/threonine kinase; minus strand). Cytogenetic location: 7q34.
Variant type: single nucleotide variant.
Coding change: c.1364G>A on transcript NM_004333.6 (MANE Select); coding-DNA position 1364, G replaced by A.
Protein change: p.Gly455Glu; replaces glycine 455 with glutamic acid.
Molecular consequence: missense variant.
Genome position (GRCh38, 1-based): chr7:140,781,644, C>T on the plus strand (G>A on the coding strand, the complement: BRAF is on the minus strand). VCF-style: chr7-140781644-C-T. GRCh37 (hg19) VCF-style: chr7-140481444-C-T.
Other names: c.1364G>A, p.Gly455Glu (NM_001354609.2, NM_001378468.1, NM_001378474.1); c.1484G>A, p.Gly495Glu (NM_001374244.1, NM_001374258.1); c.1373G>A, p.Gly458Glu (NM_001378467.1); c.1298G>A, p.Gly433Glu (NM_001378469.1); c.1262G>A, p.Gly421Glu (NM_001378470.1); c.1253G>A, p.Gly418Glu (NM_001378471.1); c.1208G>A, p.Gly403Glu (NM_001378472.1, NM_001378473.1); c.1100G>A, p.Gly367Glu (NM_001378475.1); short protein forms G418E, G455E, G495E, G367E, G403E, G421E, G433E, G458E.
Identifiers: ClinVar variation 2782623 (VCV002782623.3), dbSNP rs1343787672, ClinGen allele CA369588952.

ClinVar aggregate classification (germline): Uncertain significance (1 of 4 stars; one submission).

Conditions:
RASopathy. Also called: Noonan spectrum disorder; rasopathies. Identifiers: Orphanet 536391, MedGen C5555857, MONDO:0021060.

Allele frequency attached by ClinVar (database versions not stated): gnomAD 0.00001; TOPMed 0.00001.

Submission:

Labcorp Genetics (formerly Invitae), Labcorp
Classification: Uncertain significance for RASopathy. Last evaluated: 2023-01-10. Review status: criteria provided, single submitter. Criteria: Invitae Variant Classification Sherloc (09022015). Collection method: clinical testing. Allele origin: germline.
Comment: In summary, the available evidence is currently insufficient to determine the role of this variant in disease. Therefore, it has been classified as a Variant of Uncertain Significance. Advanced modeling of protein sequence and biophysical properties (such as structural, functional, and spatial information, amino acid conservation, physicochemical variation, residue mobility, and thermodynamic stability) performed at Invitae indicates that this missense variant is not expected to disrupt BRAF protein function. This missense change has been observed in individual(s) with clinical features of BRAF-related conditions (PMID: 34495297). This variant is present in population databases (no rsID available, gnomAD 0.007%). This sequence change replaces glycine, which is neutral and non-polar, with glutamic acid, which is acidic and polar, at codon 455 of the BRAF protein (p.Gly455Glu).

Literature cited by the submitters: PubMed 34495297.